The following is an entry in ClinVar:

NM_003334.4(UBA1):c.746C>T (p.Ser249Phe)

Gene: UBA1 (ubiquitin like modifier activating enzyme 1; plus strand). Cytogenetic location: Xp11.3.
Variant type: single nucleotide variant.
Coding change: c.746C>T on transcript NM_003334.4 (MANE Select); coding-DNA position 746, C replaced by T.
Protein change: p.Ser249Phe; replaces serine 249 with phenylalanine.
Molecular consequence: missense variant.
Genome position (GRCh38, 1-based): chrX:47,201,545, C>T. VCF-style: chrX-47201545-C-T. GRCh37 (hg19) VCF-style: chrX-47060944-C-T.
Other names: c.746C>T, p.Ser249Phe (NM_153280.3); short protein forms S249F.
Identifiers: ClinVar variation 1021472 (VCV001021472.8), dbSNP rs782434472, ClinGen allele CA412793694.

ClinVar aggregate classification (germline): Uncertain significance (1 of 4 stars; one submission).

Conditions:
Infantile-onset X-linked spinal muscular atrophy. Also called: Spinal Muscular Atrophy, X-Linked Infantile; AMC, DISTAL, X-LINKED; ARTHROGRYPOSIS, X-LINKED, TYPE I; Spinal muscular atrophy, X-linked 2; SPINAL MUSCULAR ATROPHY, X-LINKED LETHAL INFANTILE. Identifiers: Orphanet 1145, MedGen C1844934, MONDO:0010532, OMIM 301830.

gnomAD v4.1: 2 of 1,211,874 alleles (0.00017%); highest among the groups gnomAD compares: Non-Finnish European, 0.00011%; no homozygotes.

Submission:

Labcorp Genetics (formerly Invitae), Labcorp
Classification: Uncertain significance for Infantile-onset X-linked spinal muscular atrophy. Last evaluated: 2020-02-03. Review status: criteria provided, single submitter. Criteria: Invitae Variant Classification Sherloc (09022015). Collection method: clinical testing. Allele origin: germline.
Comment: In summary, the available evidence is currently insufficient to determine the role of this variant in disease. Therefore, it has been classified as a Variant of Uncertain Significance. Algorithms developed to predict the effect of missense changes on protein structure and function are either unavailable or do not agree on the potential impact of this missense change (SIFT: "Deleterious"; PolyPhen-2: "Possibly Damaging"; Align-GVGD: "Class C0"). This variant has not been reported in the literature in individuals with UBA1-related conditions. This variant is not present in population databases (ExAC no frequency). This sequence change replaces serine with phenylalanine at codon 249 of the UBA1 protein (p.Ser249Phe). The serine residue is weakly conserved and there is a large physicochemical difference between serine and phenylalanine.